The following is an entry in ClinVar:

NM_000126.4(ETFA):c.593_594del (p.Glu198fs)

Gene: ETFA (electron transfer flavoprotein subunit alpha; minus strand). Cytogenetic location: 15q24.2.
Variant type: Microsatellite.
Coding change: c.593_594del on transcript NM_000126.4 (MANE Select); coding-DNA positions 593 to 594, 2 bases deleted (AG; older notation c.593_594delAG).
Protein change: p.Glu198fs; shifts the reading frame from glutamic acid 198.
Molecular consequence: frameshift variant.
Genome position (GRCh38, 1-based): chr15:76,285,707-76,285,708, CT deleted on the plus strand (AG on the coding strand, the reverse complement: ETFA is on the minus strand); deleting any 2 consecutive bases within chr15:76,285,707-76,285,710 gives the same sequence; the c. name uses the placement nearest the transcript's 3' end. VCF-style (leftmost placement, unchanged base first): chr15-76285706-ACT-A. GRCh37 (hg19) VCF-style: chr15-76578047-ACT-A.
Other names: c.446_447del, p.Glu149fs (NM_001127716.2); short protein forms E149fs, E198fs.
Identifiers: ClinVar variation 2766888 (VCV002766888.3), dbSNP rs2543022358, ClinGen allele CA2697549238.

ClinVar aggregate classification (germline): Pathogenic (1 of 4 stars; one submission).

Conditions:
Multiple acyl-CoA dehydrogenase deficiency (MADD). Also called: ETHYLMALONIC-ADIPICACIDURIA; GA II; Glutaric aciduria, type 2; Glutaric acidemia type II; GA 2; Glutaric Acidemia type 2. Identifiers: Orphanet 26791, MedGen C0268596, MONDO:0009282, OMIM 231680.

Submission:

Labcorp Genetics (formerly Invitae), Labcorp
Classification: Pathogenic for Multiple acyl-CoA dehydrogenase deficiency. Last evaluated: 2023-10-08. Review status: criteria provided, single submitter. Criteria: Invitae Variant Classification Sherloc (09022015). Collection method: clinical testing. Allele origin: germline.
Comment: This sequence change creates a premature translational stop signal (p.Glu198Valfs*3) in the ETFA gene. It is expected to result in an absent or disrupted protein product. Loss-of-function variants in ETFA are known to be pathogenic (PMID: 16510302, 23785301). This variant is not present in population databases (gnomAD no frequency). This variant has not been reported in the literature in individuals affected with ETFA-related conditions. For these reasons, this variant has been classified as Pathogenic.

Literature cited by the submitters: PubMed 16510302; PubMed 23785301.